The following is an entry in ClinVar:

NM_000157.4(GBA1):c.286C>T (p.Gln96Ter)

Genes: GBA1 (glucosylceramidase beta 1; minus strand), LOC106627981 (GBA recombination region; plus strand). Cytogenetic location: 1q22.
Variant type: single nucleotide variant.
Coding change: c.286C>T on transcript NM_000157.4 (MANE Select); coding-DNA position 286, C replaced by T.
Protein change: p.Gln96Ter; replaces glutamine 96 with a stop codon.
Molecular consequence: nonsense.
Genome position (GRCh38, 1-based): chr1:155,239,907, G>A on the plus strand (C>T on the coding strand, the complement: GBA1 is on the minus strand). VCF-style: chr1-155239907-G-A. GRCh37 (hg19) VCF-style: chr1-155209698-G-A.
Other names: c.286C>T, p.Gln96Ter (NM_001005741.3, NM_001005742.3, NM_001171812.2); c.25C>T, p.Gln9Ter (NM_001171811.2); short protein forms Q9*, Q96*.
Identifiers: ClinVar variation 4817746 (VCV004817746.1).

ClinVar aggregate classification (germline): Likely pathogenic (1 of 4 stars; one submission).

Conditions:
Gaucher disease. Also called: Acute cerebral Gaucher disease; Cerebroside lipidosis syndrome; Gaucher splenomegaly; Sphingolipidosis 1; Glucocerebrosidosis; Glucosylceramidase deficiency. Identifiers: Orphanet 355, MedGen C0017205, MONDO:0018150.

gnomAD v4.1: 1 of 1,614,116 alleles (0.000062%); highest among the groups gnomAD compares: Admixed American, 0.0017%; no homozygotes.

Submission:

Natera, Inc.
Classification: Likely pathogenic for Gaucher disease. Last evaluated: 2025-07-24. Review status: criteria provided, single submitter. Criteria: Natera Variant Classification Schema (03/2026). Collection method: clinical testing. Allele origin: germline.
Comment: The c.286C>T variant in GBA1 is a nonsense variant predicted to introduce a stop codon at amino acid 96. This variant is expected to result in nonsense mediated decay, truncation, or a dysfunctional protein product. This variant is rare in the general population with a frequency below the threshold expected for the associated phenotype(s). Given the available evidence, this variant is classified as Likely Pathogenic.